The following is an entry in ClinVar:

ClinVar aggregate classification (germline): Conflicting classifications of pathogenicity. Review status: criteria provided, conflicting classifications (1 of 4 stars). 2 submissions from 2 submitters: Uncertain significance (1); Likely benign (1). Last evaluated 2026-01-21.

Conditions:
Primary ciliary dyskinesia 27. Also called: CILIARY DYSKINESIA, PRIMARY, 27, WITHOUT SITUS INVERSUS. Identifiers: Orphanet 244, MedGen C3809701, MONDO:0014215, OMIM 615504.

Allele frequency attached by ClinVar (database versions not stated): gnomAD exomes 0.00009 and 0.00026; ExAC 0.00033; gnomAD 0.00101 and 0.00106; TOPMed 0.00108; ESP Exome Variant Server 0.00123; 1000 Genomes Project 30x 0.00141; 1000 Genomes Project 0.00160.
gnomAD v4.1: 297 of 1,614,174 alleles (0.018%); highest among the groups gnomAD compares: African/African-American, 0.36%; 2 homozygotes.

Submissions (2):

Labcorp Genetics (formerly Invitae), Labcorp
Classification: Likely benign for Primary ciliary dyskinesia 27. Last evaluated: 2026-01-21. Review status: criteria provided, single submitter. Criteria: Invitae Variant Classification Sherloc (09022015). Collection method: clinical testing. Allele origin: germline.

Mayo Clinic Laboratories, Mayo Clinic
Classification: Uncertain significance. Last evaluated: 2024-01-31. Review status: criteria provided, single submitter. Criteria: ACMG Guidelines, 2015. Collection method: clinical testing. Allele origin: germline. Observed: 1 variant allele.
Comment: BP4

NM_033124.5(DRC2):c.549A>G (p.Ile183Met)

Gene: DRC2 (dynein regulatory complex subunit 2; plus strand). Cytogenetic location: 12q13.12.
Variant type: single nucleotide variant.
Coding change: c.549A>G on transcript NM_033124.5 (MANE Select); coding-DNA position 549, A replaced by G.
Protein change: p.Ile183Met; replaces isoleucine 183 with methionine.
Molecular consequence: missense variant.
Genome position (GRCh38, 1-based): chr12:48,917,048, A>G. VCF-style: chr12-48917048-A-G. GRCh37 (hg19) VCF-style: chr12-49310831-A-G.
Other names: p.Ile183Met; c.120A>G, p.Ile40Met (NM_001286957.2); short protein forms I183M, I40M.
Identifiers: ClinVar variation 474641 (VCV000474641.12), dbSNP rs140228766, ClinGen allele CA6543274.
Genomic context (GRCh38, chr12:48,917,048, plus strand): 5'-ACATGAGAAAGAGATTCACTATCTGCAAGATATCTTCATGGCCATGGAGCAGAACTATAT[A>G]GATTCTGAGTATGAAAGCAAGCTGGAGTTCCAGAGCATGTGGAATGATCTCAAAAACATG-3'
Protein context (NP_149115.2, residues 173-193): DIFMAMEQNY[Ile183Met]DSEYESKLEF